The following is an entry in ClinVar:

NM_022114.4(PRDM16):c.872C>T (p.Pro291Leu)

Gene: PRDM16 (PR/SET domain 16; plus strand). Cytogenetic location: 1p36.32.
Variant type: single nucleotide variant.
Coding change: c.872C>T on transcript NM_022114.4 (MANE Select); coding-DNA position 872, C replaced by T.
Protein change: p.Pro291Leu; replaces proline 291 with leucine.
Molecular consequence: missense variant.
Genome position (GRCh38, 1-based): chr1:3,402,986, C>T. VCF-style: chr1-3402986-C-T. GRCh37 (hg19) VCF-style: chr1-3319550-C-T.
Other names: c.872C>T, p.Pro291Leu (NM_199454.3); short protein forms P291L.
Identifiers: ClinVar variation 60728 (VCV000060728.13), dbSNP rs397514744, ClinGen allele CA144646.

ClinVar aggregate classification (germline): Uncertain significance. Review status: criteria provided, multiple submitters, no conflicts (2 of 4 stars). 5 submissions from 5 submitters: Uncertain significance (4). 1 of the submissions does not count toward it. Last evaluated 2024-11-15.

Conditions:
Left ventricular noncompaction 8 (LVNC8). Identifiers: Orphanet 154, Orphanet 54260, MedGen C3809288, MONDO:0014152, OMIM 615373.
Cardiomyopathy, dilated, 1LL. Identifiers: MedGen C3809289, MONDO:0800367.
Primary dilated cardiomyopathy (DCM). Also called: Dilated Cardiomyopathy. Identifiers: Orphanet 217604, MedGen C0007193, MeSH D002311, MONDO:0005021, HP:0001644. Inheritance: Various modes of inheritance.

Allele frequency attached by ClinVar (database versions not stated): ExAC 0.00003; gnomAD 0.00003; gnomAD exomes 0.00004; TOPMed 0.00005.
gnomAD v4.1: 63 of 1,606,562 alleles (0.0039%); highest among the groups gnomAD compares: Middle Eastern, 0.035%; no homozygotes.

Submissions (5):

Labcorp Genetics (formerly Invitae), Labcorp
Classification: Uncertain significance for Left ventricular noncompaction 8. Last evaluated: 2024-11-15. Review status: criteria provided, single submitter. Criteria: Invitae Variant Classification Sherloc (09022015). Collection method: clinical testing. Allele origin: germline.
Comment: This sequence change replaces proline, which is neutral and non-polar, with leucine, which is neutral and non-polar, at codon 291 of the PRDM16 protein (p.Pro291Leu). This variant is present in population databases (rs397514744, gnomAD 0.006%). This missense change has been observed in individual(s) with dilated cardiomyopathy (PMID: 23768516). ClinVar contains an entry for this variant (Variation ID: 60728). An algorithm developed to predict the effect of missense changes on protein structure and function (PolyPhen-2) suggests that this variant is likely to be disruptive. In summary, the available evidence is currently insufficient to determine the role of this variant in disease. Therefore, it has been classified as a Variant of Uncertain Significance.

New York Genome Center
Classification: Uncertain significance for Left ventricular noncompaction 8. Last evaluated: 2023-05-19. Review status: criteria provided, single submitter. Criteria: NYGC Assertion Criteria 2020. Collection method: clinical testing. Allele origin: germline. Observed: 1 heterozygote.
Comment: The c.872C>T variant in PRDM16 has previously been reported in one individual with dilated cardiomyopathy and it has been deposited in ClinVar [ClinVar ID: 60728]. The c.872C>T variant is observed in 21 alleles (~0.0036% minor allele frequency with 0 homozygotes) in population databases (gnomAD v2.1.1 and v3.1.2, TOPMed Freeze 8), suggesting it is not a common benign variant in the populations represented in those databases, which may include individuals with cardiac disorders. The c.872C>T variant in PRDM16 is located in exon 6 of this 17-exon gene, and is predicted to replace an evolutionarily conserved proline amino acid with leucine at position 291 (p.(Pro291Leu)) in one of the zinc finger domains (C2H2-type 2; UniProt ID:Q9HAZ2) in the encoded protein. In silico predictions are inconclusive of damaging effect for the p.(Pro291Leu) variant [CADD v1.6 = 25.8, REVEL = 0.306]; however, there are no functional studies to support or refute these predictions. Based on available evidence this c.872C>T p.(Pro291Leu) variant identified in PRDM16 is classified as a Variant of Uncertain Significance.

Fulgent Genetics
Classification: Uncertain significance for Left ventricular noncompaction 8. Last evaluated: 2022-01-07. Review status: criteria provided, single submitter. Criteria: ACMG Guidelines, 2015. Collection method: clinical testing. Allele origin: unknown.

Loeys Lab, Universiteit Antwerpen
Classification: Uncertain significance for Primary dilated cardiomyopathy. Last evaluated: 2021-02-26. Review status: criteria provided, single submitter. Criteria: ACMG Guidelines, 2015. Collection method: clinical testing. Allele origin: somatic. Affected: yes. Observed: 1 variant allele, 1 heterozygote.
Comment: This sequence change results in a missense variant in the PRDM16 gene (p.(Pro291Leu)). This variant is present in population databases with a prevalence of 9/243160 in GnomAD). The variant has been described before in a DCM patient (PMID:23768516). The variant affects a highly conserved nucleotide and amino acid, located in the Zinc Finger domain (PM1). No functional data are available. Prediction programs predict a pathogenic effect (Polyphen-2-HumDiv: probably damaging; Polyphen-2-HumVar: probably damaging; SIFT: deleterious; Mutation Taster: disease causing) (PP3). JUPc.56C>T). No data on segregation are available. In conclusion this variant was classified as a variant of unknown significance according to ACMG-guidelines (insufficient data, criteria for other classification are not met: PP3, PM1).

OMIM
Classification: Pathogenic for CARDIOMYOPATHY, DILATED, 1LL. Last evaluated: 2013-07-11. Review status: no assertion criteria provided. Collection method: literature only. Allele origin: germline. Not counted in ClinVar's aggregate classification.

Literature cited by the submitters: PubMed 23768516 (cited by 3 submitters).